The following is an entry in ClinVar:

ClinVar aggregate classification (germline): Uncertain significance (1 of 4 stars; one submission).

Conditions:
Monosomy 7 myelodysplasia and leukemia syndrome 2. Identifiers: MedGen C5436668, MONDO:0030801, OMIM 619041.

Submission:

St. Jude Molecular Pathology, St. Jude Children's Research Hospital
Classification: Uncertain significance for Monosomy 7 myelodysplasia and leukemia syndrome 2. Last evaluated: 2024-12-30. Review status: criteria provided, single submitter. Criteria: St. Jude Assertion Criteria 2020. Collection method: clinical testing. Allele origin: germline.
Comment: The SAMD9 c.3115C>T; p.His1039Tyr) missense change is absent in gnomAD v2.1.1. The in silico tool REVEL predicts a benign effect of this variant on protein function, and to our knowledge functional studies have not been performed. In silico predictions have not been found to correlate with syndromic risk and are not considered supporting evidence of a pathogenic or benign effect (PMID: 34621053). To our knowledge, this variant has not been reported in individuals with ataxia-pancytopenia syndrome or monosomy 7 myelodysplasia and leukemia syndrome. In summary, the evidence currently available is insufficient to determine the clinical significance of this variant. It has therefore been classified as of uncertain significance.

NM_017654.4(SAMD9):c.3115C>T (p.His1039Tyr)

Gene: SAMD9 (sterile alpha motif domain containing 9; minus strand). Cytogenetic location: 7q21.2.
Variant type: single nucleotide variant.
Coding change: c.3115C>T on transcript NM_017654.4 (MANE Select); coding-DNA position 3115, C replaced by T.
Protein change: p.His1039Tyr; replaces histidine 1039 with tyrosine.
Molecular consequence: missense variant.
Genome position (GRCh38, 1-based): chr7:93,102,983, G>A on the plus strand (C>T on the coding strand, the complement: SAMD9 is on the minus strand). VCF-style: chr7-93102983-G-A. GRCh37 (hg19) VCF-style: chr7-92732296-G-A.
Other names: c.3115C>T, p.His1039Tyr (NM_001193307.2); short protein forms H1039Y.
Identifiers: ClinVar variation 3602720 (VCV003602720.1).